The following is an entry in ClinVar:

ClinVar aggregate classification (germline): Uncertain significance (1 of 4 stars; one submission).

gnomAD v4.1: 2 of 1,614,172 alleles (0.00012%); highest among the groups gnomAD compares: Non-Finnish European, 0.00017%; no homozygotes.

Submission:

GeneDx
Classification: Uncertain significance. Last evaluated: 2025-03-12. Review status: criteria provided, single submitter. Criteria: GeneDx Variant Classification Process June 2021. Collection method: clinical testing. Allele origin: germline. Affected: yes.
Comment: Not observed at significant frequency in large population cohorts (gnomAD); In silico analysis indicates that this missense variant does not alter protein structure/function; Has not been previously published as pathogenic or benign to our knowledge

NM_001470.4(GABBR1):c.214G>C (p.Glu72Gln)

Gene: GABBR1 (gamma-aminobutyric acid type B receptor subunit 1; minus strand). Cytogenetic location: 6p22.1.
Variant type: single nucleotide variant.
Coding change: c.214G>C on transcript NM_001470.4 (MANE Select); coding-DNA position 214, G replaced by C.
Protein change: p.Glu72Gln; replaces glutamic acid 72 with glutamine.
Molecular consequence: missense variant. On other transcripts: 5 prime UTR variant (1).
Genome position (GRCh38, 1-based): chr6:29,631,471, C>G on the plus strand (G>C on the coding strand, the complement: GABBR1 is on the minus strand). VCF-style: chr6-29631471-C-G. GRCh37 (hg19) VCF-style: chr6-29599248-C-G.
Other names: c.-254G>C (NM_001319053.2); c.214G>C, p.Glu72Gln (NM_021904.4); short protein forms E72Q.
Identifiers: ClinVar variation 4083143 (VCV004083143.1).